The following is an entry in ClinVar:

NM_020779.4(WDR35):c.2930C>T (p.Ala977Val)

Gene: WDR35 (WD repeat domain 35; minus strand). Cytogenetic location: 2p24.1.
Variant type: single nucleotide variant.
Coding change: c.2930C>T on transcript NM_020779.4 (MANE Select); coding-DNA position 2930, C replaced by T.
Protein change: p.Ala977Val; replaces alanine 977 with valine.
Molecular consequence: missense variant.
Genome position (GRCh38, 1-based): chr2:19,931,303, G>A on the plus strand (C>T on the coding strand, the complement: WDR35 is on the minus strand). VCF-style: chr2-19931303-G-A. GRCh37 (hg19) VCF-style: chr2-20131064-G-A.
Other names: c.2963C>T, p.Ala988Val (NM_001006657.2); short protein forms A977V, A988V.
Identifiers: ClinVar variation 1385796 (VCV001385796.6), dbSNP rs754516323, ClinGen allele CA1542802.

ClinVar aggregate classification (germline): Uncertain significance (1 of 4 stars; one submission).

Conditions:
Cranioectodermal dysplasia 2 (CED2). Identifiers: Orphanet 1515, MedGen C3150874, MONDO:0013323, OMIM 613610.
Short-rib thoracic dysplasia 7 with or without polydactyly (SRTD7). Also called: Short rib polydactyly syndrome 5; SHORT-RIB THORACIC DYSPLASIA 7 WITH POLYDACTYLY. Identifiers: Orphanet 498497, Orphanet 93271, MedGen C3279792, MONDO:0013569, OMIM 614091.

Allele frequency attached by ClinVar (database versions not stated): gnomAD exomes 0.00001 and 0.00006; ExAC 0.00002.
gnomAD v4.1: 14 of 1,612,846 alleles (0.00087%); highest among the groups gnomAD compares: East Asian, 0.029%; no homozygotes.

Submission:

Labcorp Genetics (formerly Invitae), Labcorp
Classification: Uncertain significance for Cranioectodermal dysplasia 2; Short-rib thoracic dysplasia 7 with or without polydactyly. Last evaluated: 2022-08-16. Review status: criteria provided, single submitter. Criteria: Invitae Variant Classification Sherloc (09022015). Collection method: clinical testing. Allele origin: germline.
Comment: Algorithms developed to predict the effect of missense changes on protein structure and function (SIFT, PolyPhen-2, Align-GVGD) all suggest that this variant is likely to be tolerated. In summary, the available evidence is currently insufficient to determine the role of this variant in disease. Therefore, it has been classified as a Variant of Uncertain Significance. ClinVar contains an entry for this variant (Variation ID: 1385796). This variant has not been reported in the literature in individuals affected with WDR35-related conditions. This variant is present in population databases (rs754516323, gnomAD 0.06%). This sequence change replaces alanine, which is neutral and non-polar, with valine, which is neutral and non-polar, at codon 988 of the WDR35 protein (p.Ala988Val).